The following is an entry in ClinVar:

NM_000350.3(ABCA4):c.4324A>G (p.Asn1442Asp)

Gene: ABCA4 (ATP binding cassette subfamily A member 4; minus strand). Cytogenetic location: 1p22.1.
Variant type: single nucleotide variant.
Coding change: c.4324A>G on transcript NM_000350.3 (MANE Select); coding-DNA position 4324, A replaced by G.
Protein change: p.Asn1442Asp; replaces asparagine 1442 with aspartic acid.
Molecular consequence: missense variant.
Genome position (GRCh38, 1-based): chr1:94,030,456, T>C on the plus strand (A>G on the coding strand, the complement: ABCA4 is on the minus strand). VCF-style: chr1-94030456-T-C. GRCh37 (hg19) VCF-style: chr1-94496012-T-C.
Other names: c.4102A>G, p.Asn1368Asp (NM_001425324.1); short protein forms N1442D, N1368D.
Identifiers: ClinVar variation 1054140 (VCV001054140.9), dbSNP rs2101034926, ClinGen allele CA341285720.

ClinVar aggregate classification (germline): Likely pathogenic (1 of 4 stars; one submission).

Submission:

Labcorp Genetics (formerly Invitae), Labcorp
Classification: Likely pathogenic. Last evaluated: 2025-02-10. Review status: criteria provided, single submitter. Criteria: Invitae Variant Classification Sherloc (09022015). Collection method: clinical testing. Allele origin: germline.
Comment: This sequence change replaces asparagine, which is neutral and polar, with aspartic acid, which is acidic and polar, at codon 1442 of the ABCA4 protein (p.Asn1442Asp). This variant is not present in population databases (gnomAD no frequency). This missense change has been observed in individual(s) with Stargardt disease (PMID: 30060493). ClinVar contains an entry for this variant (Variation ID: 1054140). Invitae Evidence Modeling of protein sequence and biophysical properties (such as structural, functional, and spatial information, amino acid conservation, physicochemical variation, residue mobility, and thermodynamic stability) has been performed for this missense variant. However, the output from this modeling did not meet the statistical confidence thresholds required to predict the impact of this variant on ABCA4 protein function. This variant disrupts the p.Asn1442 amino acid residue in ABCA4. Other variant(s) that disrupt this residue have been determined to be pathogenic (PMID: 23143460, 30834176). This suggests that this residue is clinically significant, and that variants that disrupt this residue are likely to be disease-causing. In summary, the currently available evidence indicates that the variant is pathogenic, but additional data are needed to prove that conclusively. Therefore, this variant has been classified as Likely Pathogenic.

Literature cited by the submitters: PubMed 30060493; PubMed 23143460; PubMed 30834176.